The following is an entry in ClinVar:

NM_182961.4(SYNE1):c.18265C>T (p.Arg6089Cys)

Gene: SYNE1 (spectrin repeat containing nuclear envelope protein 1; minus strand). Cytogenetic location: 6q25.2.
Variant type: single nucleotide variant.
Coding change: c.18265C>T on transcript NM_182961.4 (MANE Select); coding-DNA position 18265, C replaced by T.
Protein change: p.Arg6089Cys; replaces arginine 6089 with cysteine.
Molecular consequence: missense variant.
Genome position (GRCh38, 1-based): chr6:152,281,923, G>A on the plus strand (C>T on the coding strand, the complement: SYNE1 is on the minus strand). VCF-style: chr6-152281923-G-A. GRCh37 (hg19) VCF-style: chr6-152603058-G-A.
Other names: c.18052C>T, p.Arg6018Cys (NM_033071.5); short protein forms R6018C, R6089C.
Identifiers: ClinVar variation 3752744 (VCV003752744.2).
Genomic context (GRCh38, chr6:152,281,923, plus strand): 5'-CAGTGTCCAGAGTGGCCTTGGTACTCAAGAGCCAGCTGTCCAGCTCATCGGCTTCACAGC[G>A]ATACCTCTGCAGGGCCTGTTCCTGCCTTTGTTCCTCCAGCTGATCATTCAACTTCTCCTG-3'
Protein context (NP_892006.3, residues 6079-6099): QRQEQALQRY[Arg6089Cys]CEADELDSWL

ClinVar aggregate classification (germline): Uncertain significance (1 of 4 stars; one submission).

Conditions:
Emery-Dreifuss muscular dystrophy 4, autosomal dominant (EDMD4). Also called: EMERY-DREIFUSS MUSCULAR DYSTROPHY 4 WITH VARIABLE FEATURES. Identifiers: Orphanet 261, MedGen C2751807, MONDO:0013071, OMIM 612998.
Autosomal recessive ataxia, Beauce type. Also called: Spinocerebellar ataxia, autosomal recessive 8; ATAXIA, RECESSIVE, OF BEAUCE; SYNE1-Related Autosomal Recessive Cerebellar Ataxia; SYNE1 Deficiency. Identifiers: Orphanet 88644, MedGen C1853116, MONDO:0012549, OMIM 610743.

Submission:

Labcorp Genetics (formerly Invitae), Labcorp
Classification: Uncertain significance for Emery-Dreifuss muscular dystrophy 4, autosomal dominant; Autosomal recessive ataxia, Beauce type. Last evaluated: 2024-09-12. Review status: criteria provided, single submitter. Criteria: Invitae Variant Classification Sherloc (09022015). Collection method: clinical testing. Allele origin: germline.
Comment: This sequence change replaces arginine, which is basic and polar, with cysteine, which is neutral and slightly polar, at codon 6018 of the SYNE1 protein (p.Arg6018Cys). This variant is present in population databases (rs757823877, gnomAD 0.006%). This variant has not been reported in the literature in individuals affected with SYNE1-related conditions. An algorithm developed to predict the effect of missense changes on protein structure and function outputs the following: PolyPhen-2: "Benign". The cysteine amino acid residue is found in multiple mammalian species, which suggests that this missense change does not adversely affect protein function. In summary, the available evidence is currently insufficient to determine the role of this variant in disease. Therefore, it has been classified as a Variant of Uncertain Significance.